The following is an entry in ClinVar:

NM_020831.6(MRTFA):c.2684C>T (p.Ala895Val)

Gene: MRTFA (myocardin related transcription factor A; minus strand). Cytogenetic location: 22q13.1.
Variant type: single nucleotide variant.
Coding change: c.2684C>T on transcript NM_020831.6 (MANE Select); coding-DNA position 2684, C replaced by T.
Protein change: p.Ala895Val; replaces alanine 895 with valine.
Molecular consequence: missense variant. On other transcripts: synonymous variant (1).
Genome position (GRCh38, 1-based): chr22:40,411,802, G>A on the plus strand (C>T on the coding strand, the complement: MRTFA is on the minus strand). VCF-style: chr22-40411802-G-A. GRCh37 (hg19) VCF-style: chr22-40807806-G-A.
Other names: c.2384C>T, p.Ala795Val (NM_001282660.2); c.2534C>T, p.Ala845Val (NM_001282661.3); c.2694C>T, p.Cys898= (NM_001282662.3); c.2489C>T, p.Ala830Val (NM_001318139.2); c.2384C>T (NM_020831.3); short protein forms A845V, A830V, A795V, A895V.
Identifiers: ClinVar variation 2185128 (VCV002185128.6), dbSNP rs748457347, ClinGen allele CA10249237.

ClinVar aggregate classification (germline): Uncertain significance. Review status: criteria provided, multiple submitters, no conflicts (2 of 4 stars). 2 submissions from 2 submitters: Uncertain significance (2). Last evaluated 2025-12-19.

Allele frequency attached by ClinVar (database versions not stated): ExAC 0.00002; gnomAD exomes 0.00003; TOPMed 0.00003; gnomAD 0.00004.
gnomAD v4.1: 51 of 1,525,492 alleles (0.0033%); highest among the groups gnomAD compares: Non-Finnish European, 0.0042%; no homozygotes.

Submissions (2):

Labcorp Genetics (formerly Invitae), Labcorp
Classification: Uncertain significance. Last evaluated: 2025-12-19. Review status: criteria provided, single submitter. Criteria: Invitae Variant Classification Sherloc (09022015). Collection method: clinical testing. Allele origin: germline.
Comment: This sequence change replaces alanine, which is neutral and non-polar, with valine, which is neutral and non-polar, at codon 795 of the MKL1 protein (p.Ala795Val). This variant is present in population databases (rs748457347, gnomAD 0.007%). This variant has not been reported in the literature in individuals affected with MKL1-related conditions. ClinVar contains an entry for this variant (Variation ID: 2185128). An algorithm developed to predict the effect of missense changes on protein structure and function (PolyPhen-2) suggests that this variant is likely to be tolerated. In summary, the available evidence is currently insufficient to determine the role of this variant in disease. Therefore, it has been classified as a Variant of Uncertain Significance.

Ambry Genetics
Classification: Uncertain significance. Last evaluated: 2025-05-16. Review status: criteria provided, single submitter. Criteria: Ambry Variant Classification Scheme 2023. Collection method: clinical testing. Allele origin: germline.